The following is an entry in ClinVar:

ClinVar aggregate classification (germline): Pathogenic/Likely pathogenic. Review status: criteria provided, multiple submitters, no conflicts (2 of 4 stars). 2 submissions from 2 submitters: Pathogenic (1); Likely pathogenic (1). Last evaluated 2026-01-28.
ClinVar aggregate classification (somatic clinical impact): Tier II - Potential (1 of 4 stars; one submission).
ClinVar aggregate classification (oncogenicity): Likely oncogenic (1 of 4 stars; one submission).

Conditions:
Mosaic KRAS-related syndrome.
KRAS-related disorder. Also called: KRAS-related disorders; KRAS-related condition.
Neuroblastoma (NB). Identifiers: Orphanet 635, MedGen C0027819, MeSH D009447, MONDO:0005072, HP:0003006.
Neoplasm. Also called: Neoplasms; Neoplasm (disease); tumor. Identifiers: MedGen C0027651, MeSH D009369, MONDO:0005070, HP:0002664.

Submissions (4):

Undiagnosed Diseases Network, NIH
Classification: Likely pathogenic for Mosaic KRAS-related syndrome. Last evaluated: 2026-01-28. Review status: criteria provided, single submitter. Criteria: ACMG Guidelines, 2015. Collection method: clinical testing. Allele origin: somatic. Affected: yes. Observed: 1 variant allele, 1 mosaic individual. Study: Undiagnosed Diseases Network (NIH), UDN.

Center for Genomic Medicine, Rigshospitalet, Copenhagen University Hospital
Classification: Likely oncogenic for Neoplasm. Last evaluated: 2025-03-04. Review status: criteria provided, single submitter. Criteria: ClinGen/CGC/VICC Guidelines for Oncogenicity, 2022. Collection method: clinical testing. Allele origin: somatic. Affected: yes.

PreventionGenetics, part of Exact Sciences
Classification: Pathogenic for KRAS-related condition. Last evaluated: 2024-12-31. Review status: criteria provided, single submitter. Criteria: ACMG Guidelines, 2015. Collection method: clinical testing. Allele origin: germline.
Comment: The KRAS c.351A>T variant is predicted to result in the amino acid substitution p.Lys117Asn. This variant has been reported in the de novo state in an infant with RAS-associated autoimmune leukoproliferative disorder (Ouyang et al. 2021. PubMed ID: 34490048). This variant has not been reported in a large population database (gnomAD), indicating this variant is rare. This variant is interpreted as pathogenic.

Institute for Genomic Medicine (IGM) Clinical Laboratory, Nationwide Children's Hospital
Classification: Tier II - Potential for Neuroblastoma. Assertion type: diagnostic. Clinical significance: supports diagnosis. Last evaluated: 2024-09-06. Review status: criteria provided, single submitter. Criteria: AMP/ASCO/CAP Guidelines, 2017. Collection method: clinical testing. Allele origin: somatic. Affected: yes.
Comment: Variant has Tier II (potential) clinical significance as a diagnostic inclusion criterion in neuroblastoma, based on the following evidence: 1) Documented in one or more cancer databases (e.g., St. Jude Pecan, COSMIC, CIViC, OncoKB). 2) Information in the literature supports potential biologic effect of variant (PMID: 20570890). 3) Diagnostic significance based on multiple small studies (Evidence Level C; PMIDs: 22142829, 26121087, 30115695, 30523111, 33056981, 34915055).

Literature cited by the submitters: PubMed 20147967 (cited by Center for Genomic Medicine, Rigshospitalet, Copenhagen University Hospital); PubMed 20570890 (cited by Center for Genomic Medicine, Rigshospitalet, Copenhagen University Hospital and Institute for Genomic Medicine (IGM) Clinical Laboratory, Nationwide Children's Hospital); PubMed 25705018 (cited by Center for Genomic Medicine, Rigshospitalet, Copenhagen University Hospital); PubMed 22142829 (cited by Institute for Genomic Medicine (IGM) Clinical Laboratory, Nationwide Children's Hospital); PubMed 26121087 (cited by Institute for Genomic Medicine (IGM) Clinical Laboratory, Nationwide Children's Hospital); PubMed 30115695 (cited by Institute for Genomic Medicine (IGM) Clinical Laboratory, Nationwide Children's Hospital); PubMed 30523111 (cited by Institute for Genomic Medicine (IGM) Clinical Laboratory, Nationwide Children's Hospital); PubMed 33056981 (cited by Institute for Genomic Medicine (IGM) Clinical Laboratory, Nationwide Children's Hospital); PubMed 34915055 (cited by Institute for Genomic Medicine (IGM) Clinical Laboratory, Nationwide Children's Hospital).

NM_033360.4(KRAS):c.351A>T (p.Lys117Asn)

Gene: KRAS (KRas proto-oncogene, GTPase; minus strand). Cytogenetic location: 12p12.1.
Variant type: single nucleotide variant.
Coding change: c.351A>T on transcript NM_033360.4 (MANE Plus Clinical); coding-DNA position 351, A replaced by T.
Protein change: p.Lys117Asn; replaces lysine 117 with asparagine.
Molecular consequence: missense variant.
Genome position (GRCh38, 1-based): chr12:25,225,713, T>A on the plus strand (A>T on the coding strand, the complement: KRAS is on the minus strand). VCF-style: chr12-25225713-T-A. GRCh37 (hg19) VCF-style: chr12-25378647-T-A.
Other names: p.K117N; c.351A>T, p.Lys117Asn (LRG_344t1, LRG_344t2, NM_001369786.1 and 2 more transcripts); c.351A>T (NM_004985.4); short protein forms K117N.
Identifiers: ClinVar variation 375964 (VCV000375964.6), dbSNP rs770248150, ClinGen allele CA16602442.